The following is an entry in ClinVar:

ClinVar aggregate classification (germline): Uncertain significance (1 of 4 stars; one submission).

Submission:

GeneDx
Classification: Uncertain significance. Last evaluated: 2025-02-13. Review status: criteria provided, single submitter. Criteria: GeneDx Variant Classification Process June 2021. Collection method: clinical testing. Allele origin: germline. Affected: yes.
Comment: Not observed at significant frequency in large population cohorts (gnomAD); In silico analysis supports that this missense variant has a deleterious effect on protein structure/function; Has not been previously published as pathogenic or benign to our knowledge

NM_005618.4(DLL1):c.727T>C (p.Cys243Arg)

Gene: DLL1 (delta like canonical Notch ligand 1; minus strand). Cytogenetic location: 6q27.
Variant type: single nucleotide variant.
Coding change: c.727T>C on transcript NM_005618.4 (MANE Select); coding-DNA position 727, T replaced by C.
Protein change: p.Cys243Arg; replaces cysteine 243 with arginine.
Molecular consequence: missense variant.
Genome position (GRCh38, 1-based): chr6:170,286,242, A>G on the plus strand (T>C on the coding strand, the complement: DLL1 is on the minus strand). VCF-style: chr6-170286242-A-G. GRCh37 (hg19) VCF-style: chr6-170595330-A-G.
Other names: short protein forms C243R.
Identifiers: ClinVar variation 4795485 (VCV004795485.1).